The following is an entry in ClinVar:

ClinVar aggregate classification (germline): Uncertain significance (1 of 4 stars; one submission).

Conditions:
Long QT syndrome (LQTS). Identifiers: MedGen C0023976, MeSH D008133, MONDO:0002442. Disease mechanism: loss of function. Inheritance: Various modes of inheritance.

Submission:

Labcorp Genetics (formerly Invitae), Labcorp
Classification: Uncertain significance for Long QT syndrome. Last evaluated: 2026-01-10. Review status: criteria provided, single submitter. Criteria: Invitae Variant Classification Sherloc (09022015). Collection method: clinical testing. Allele origin: germline.
Comment: This sequence change affects codon 90 of the SNTA1 mRNA. It is a 'silent' change, meaning that it does not change the encoded amino acid sequence of the SNTA1 protein. This variant is not present in population databases (gnomAD no frequency). This variant has not been reported in the literature in individuals affected with SNTA1-related conditions. Algorithms developed to predict the effect of sequence changes on RNA splicing suggest that this variant may create or strengthen a splice site. In summary, the available evidence is currently insufficient to determine the role of this variant in disease. Therefore, it has been classified as a Variant of Uncertain Significance.

NM_003098.3(SNTA1):c.270G>A (p.Val90=)

Genes: SNTA1 (syntrophin alpha 1; minus strand), LOC130065679 (ATAC-STARR-seq lymphoblastoid silent region 12811; plus strand). Cytogenetic location: 20q11.21.
Variant type: single nucleotide variant.
Coding change: c.270G>A on transcript NM_003098.3 (MANE Select); coding-DNA position 270, G replaced by A.
Protein change: p.Val90=; no amino-acid change (valine 90 retained).
Molecular consequence: synonymous variant.
Genome position (GRCh38, 1-based): chr20:33,443,351, C>T on the plus strand (G>A on the coding strand, the complement: SNTA1 is on the minus strand). VCF-style: chr20-33443351-C-T. GRCh37 (hg19) VCF-style: chr20-32031157-C-T.
Other names: c.270G>A, p.Val90= (NM_001424413.1, NM_001424414.1).
Identifiers: ClinVar variation 4690846 (VCV004690846.1).